The following is an entry in ClinVar:

ClinVar aggregate classification (germline): Likely benign. Review status: criteria provided, single submitter (1 of 4 stars). 2 submissions from 2 submitters: Likely benign (1). 1 of the submissions does not count toward it. Last evaluated 2024-06-19.

Conditions:
ACE-related disorder. Also called: ACE-related disorders; ACE-related condition.

Allele frequency attached by ClinVar (database versions not stated): gnomAD exomes 0.00003; ExAC 0.00005; gnomAD 0.00011; TOPMed 0.00031.

Submissions (2):

Labcorp Genetics (formerly Invitae), Labcorp
Classification: Likely benign. Last evaluated: 2024-06-19. Review status: criteria provided, single submitter. Criteria: Invitae Variant Classification Sherloc (09022015). Collection method: clinical testing. Allele origin: germline.

PreventionGenetics, part of Exact Sciences
Classification: Likely benign for ACE-related condition. Last evaluated: 2021-06-24. Review status: no assertion criteria provided. Collection method: clinical testing. Allele origin: germline. Not counted in ClinVar's aggregate classification.
Comment: This variant is classified as likely benign based on ACMG/AMP sequence variant interpretation guidelines (Richards et al. 2015 PMID: 25741868, with internal and published modifications).

NM_000789.4(ACE):c.3180C>T (p.Ile1060=)

Gene: ACE (angiotensin I converting enzyme; plus strand). Cytogenetic location: 17q23.3.
Variant type: single nucleotide variant.
Coding change: c.3180C>T on transcript NM_000789.4 (MANE Select); coding-DNA position 3180, C replaced by T.
Protein change: p.Ile1060=; no amino-acid change (isoleucine 1060 retained).
Molecular consequence: synonymous variant. On other transcripts: non-coding transcript variant (1).
Genome position (GRCh38, 1-based): chr17:63,493,965, C>T. VCF-style: chr17-63493965-C-T. GRCh37 (hg19) VCF-style: chr17-61571326-C-T.
Other names: c.1458C>T, p.Ile486= (NM_001178057.2, NM_152830.3); c.2613C>T, p.Ile871= (NM_001382700.1); c.2328C>T, p.Ile776= (NM_001382701.1); c.918C>T, p.Ile306= (NM_001382702.1); c.3180C>T (NM_000789.3).
Identifiers: ClinVar variation 2715506 (VCV002715506.5), dbSNP rs754344947, ClinGen allele CA8700401.